The following is an entry in ClinVar:

NM_001376571.1(MADD):c.4267C>G (p.Leu1423Val)

Gene: MADD (MAP kinase activating death domain; plus strand). Cytogenetic location: 11p11.2.
Variant type: single nucleotide variant.
Coding change: c.4267C>G on transcript NM_001376571.1 (MANE Select); coding-DNA position 4267, C replaced by G.
Protein change: p.Leu1423Val; replaces leucine 1423 with valine.
Molecular consequence: missense variant. On other transcripts: non-coding transcript variant (8), intron variant (3).
Genome position (GRCh38, 1-based): chr11:47,311,840, C>G. VCF-style: chr11-47311840-C-G. GRCh37 (hg19) VCF-style: chr11-47333391-C-G.
Other names: c.3958C>G, p.Leu1320Val (NM_001135943.2); c.3949C>G, p.Leu1317Val (NM_001135944.2, NM_001376618.1, NM_001376619.1 and 2 more transcripts); c.4255C>G, p.Leu1419Val (NM_001376572.1, NM_001376573.1, NM_001376599.1 and 2 more transcripts); c.4213C>G, p.Leu1405Val (NM_001376574.1, NM_001376605.1); c.4207C>G, p.Leu1403Val (NM_001376575.1); c.4195C>G, p.Leu1399Val (NM_001376576.1, NM_001376577.1, NM_001376610.1); c.4168C>G, p.Leu1390Val (NM_001376578.1); c.4141C>G, p.Leu1381Val (NM_001376579.1, NM_001376580.1, NM_001376622.1 and 1 more transcripts); and 44 more; short protein forms L1142V, L1212V, L1261V, L1273V, L1283V, L1288V, L1290V, L1291V.
Identifiers: ClinVar variation 2497785 (VCV002497785.2), dbSNP rs139032053, ClinGen allele CA5975072.

ClinVar aggregate classification (germline): Uncertain significance. Review status: criteria provided, multiple submitters, no conflicts (2 of 4 stars). 2 submissions from 2 submitters: Uncertain significance (2). Last evaluated 2023-04-06.

Conditions:
Inborn genetic diseases. Identifiers: MedGen C0950123, MeSH D030342.

Allele frequency attached by ClinVar (database versions not stated): gnomAD 0.00039; ExAC 0.00042; ESP Exome Variant Server 0.00046; gnomAD exomes 0.00047.
gnomAD v4.1: 739 of 1,608,752 alleles (0.046%); highest among the groups gnomAD compares: Non-Finnish European, 0.056%; no homozygotes.

Submissions (2):

GeneDx
Classification: Uncertain significance. Last evaluated: 2023-04-06. Review status: criteria provided, single submitter. Criteria: GeneDx Variant Classification Process June 2021. Collection method: clinical testing. Allele origin: germline. Affected: yes.
Comment: In silico analysis supports that this missense variant has a deleterious effect on protein structure/function; Has not been previously published as pathogenic or benign to our knowledge

Ambry Genetics
Classification: Uncertain significance for Inborn genetic diseases. Last evaluated: 2022-07-28. Review status: criteria provided, single submitter. Criteria: Ambry Variant Classification Scheme 2023. Collection method: clinical testing. Allele origin: germline.